The following is an entry in ClinVar:

NM_007294.4(BRCA1):c.4297del (p.Ile1432_Ile1433insTer)

Gene: BRCA1 (BRCA1 DNA repair associated; minus strand). Cytogenetic location: 17q21.31.
Variant type: Deletion.
Coding change: c.4297del on transcript NM_007294.4 (MANE Select); coding-DNA position 4297, one base deleted (A; older notation c.4297delA).
Protein change: p.Ile1432_Ile1433insTer.
Molecular consequence: nonsense. On other transcripts: frameshift variant (366), non-coding transcript variant (1).
Genome position (GRCh38, 1-based): chr17:43,082,464, T deleted on the plus strand (A on the coding strand, the reverse complement: BRCA1 is on the minus strand). VCF-style (leftmost placement, unchanged base first): chr17-43082463-AT-A. GRCh37 (hg19) VCF-style: chr17-41234480-AT-A.
Other names: c.4084delA, p.Ile1362Terfs (NM_001407571.1, NM_001407853.1, NM_001407894.1 and 12 more transcripts); c.4297delA, p.Ile1433Terfs (NM_001407581.1, NM_001407582.1, NM_001407583.1 and 23 more transcripts); c.4294delA, p.Ile1432Terfs (NM_001407587.1, NM_001407590.1, NM_001407591.1 and 21 more transcripts); c.4291delA, p.Ile1431Terfs (NM_001407627.1, NM_001407628.1, NM_001407629.1 and 5 more transcripts); c.4285delA, p.Ile1429Terfs (NM_001407646.1, NM_001407647.1); c.4174delA, p.Ile1392Terfs (NM_001407648.1, NM_001407664.1, NM_001407665.1 and 13 more transcripts); c.4171delA, p.Ile1391Terfs (NM_001407649.1, NM_001407670.1, NM_001407671.1 and 12 more transcripts); c.4219delA, p.Ile1407Terfs (NM_001407653.1, NM_001407654.1, NM_001407655.1 and 2 more transcripts); and 54 more.
Identifiers: ClinVar variation 1074622 (VCV001074622.10), dbSNP rs2154151012, ClinGen allele CA2499224424.

ClinVar aggregate classification (germline): Pathogenic/Likely pathogenic. Review status: criteria provided, multiple submitters, no conflicts (2 of 4 stars). 2 submissions from 2 submitters: Pathogenic (1); Likely pathogenic (1). Last evaluated 2020-09-14.

Conditions:
Hereditary breast ovarian cancer syndrome. Also called: Hereditary breast and ovarian cancer; Breast and ovarian cancer; BRCA1- and BRCA2-Associated Hereditary Breast and Ovarian Cancer; Hereditary breast and/or ovarian cancer syndrome; Hereditary breast and ovarian cancer syndrome; Hereditary breast and ovarian cancer syndrome (HBOC). Identifiers: Orphanet 145, MedGen C0677776, MeSH D061325, MONDO:0003582. Disease mechanism: loss of function.
Hereditary cancer-predisposing syndrome. Also called: Tumor predisposition; Hereditary neoplastic syndrome; Neoplastic Syndromes, Hereditary; Hereditary Cancer Syndrome. Identifiers: Orphanet 140162, MedGen C0027672, MeSH D009386, MONDO:0015356.

Submissions (2):

Color Diagnostics, LLC DBA Color Health
Classification: Likely pathogenic for Hereditary cancer-predisposing syndrome. Last evaluated: 2020-09-14. Review status: criteria provided, single submitter. Criteria: ACMG Guidelines, 2015. Collection method: clinical testing. Allele origin: germline.
Comment: This variant deletes 1 nucleotide in exon 12 of the BRCA1 gene, creating a frameshift and premature translation stop signal. This variant is expected to result in an absent or non-functional protein product. To our knowledge, this variant has not been reported in individuals affected with hereditary cancer in the literature. This variant has not been identified in the general population by the Genome Aggregation Database (gnomAD). Loss of BRCA1 function is a known mechanism of disease. Based on the available evidence, this variant is classified as Likely Pathogenic.

Labcorp Genetics (formerly Invitae), Labcorp
Classification: Pathogenic for Hereditary breast ovarian cancer syndrome. Last evaluated: 2020-06-03. Review status: criteria provided, single submitter. Criteria: Invitae Variant Classification Sherloc (09022015). Collection method: clinical testing. Allele origin: germline.
Comment: This variant is not present in population databases (ExAC no frequency). This sequence change creates a premature translational stop signal (p.Ile1433*) in the BRCA1 gene. It is expected to result in an absent or disrupted protein product. This variant has not been reported in the literature in individuals with BRCA1-related conditions. Loss-of-function variants in BRCA1 are known to be pathogenic (PMID: 20104584). For these reasons, this variant has been classified as Pathogenic.

Literature cited by the submitters: PubMed 20104584 (cited by Labcorp Genetics (formerly Invitae), Labcorp).